The following is an entry in ClinVar:

NM_001369.3(DNAH5):c.4990A>C (p.Lys1664Gln)

Gene: DNAH5 (dynein axonemal heavy chain 5; minus strand). Cytogenetic location: 5p15.2.
Variant type: single nucleotide variant.
Coding change: c.4990A>C on transcript NM_001369.3 (MANE Select); coding-DNA position 4990, A replaced by C.
Protein change: p.Lys1664Gln; replaces lysine 1664 with glutamine.
Molecular consequence: missense variant.
Genome position (GRCh38, 1-based): chr5:13,850,776, T>G on the plus strand (A>C on the coding strand, the complement: DNAH5 is on the minus strand). VCF-style: chr5-13850776-T-G. GRCh37 (hg19) VCF-style: chr5-13850885-T-G.
Other names: short protein forms K1664Q.
Identifiers: ClinVar variation 3670686 (VCV003670686.2).

ClinVar aggregate classification (germline): Uncertain significance (1 of 4 stars; one submission).

Conditions:
Primary ciliary dyskinesia. Also called: Ciliary dyskinesia. Identifiers: Orphanet 244, MedGen C0008780, MONDO:0016575, HP:0012265.

gnomAD v4.1: 1 of 1,614,176 alleles (0.000062%); highest among the groups gnomAD compares: Non-Finnish European, 0.000085%; no homozygotes.

Submission:

Labcorp Genetics (formerly Invitae), Labcorp
Classification: Uncertain significance for Primary ciliary dyskinesia. Last evaluated: 2024-03-25. Review status: criteria provided, single submitter. Criteria: Invitae Variant Classification Sherloc (09022015). Collection method: clinical testing. Allele origin: germline.
Comment: This sequence change replaces lysine, which is basic and polar, with glutamine, which is neutral and polar, at codon 1664 of the DNAH5 protein (p.Lys1664Gln). This variant is not present in population databases (gnomAD no frequency). This variant has not been reported in the literature in individuals affected with DNAH5-related conditions. Advanced modeling of protein sequence and biophysical properties (such as structural, functional, and spatial information, amino acid conservation, physicochemical variation, residue mobility, and thermodynamic stability) performed at Invitae indicates that this missense variant is not expected to disrupt DNAH5 protein function with a negative predictive value of 95%. Algorithms developed to predict the effect of sequence changes on RNA splicing suggest that this variant may create or strengthen a splice site. In summary, the available evidence is currently insufficient to determine the role of this variant in disease. Therefore, it has been classified as a Variant of Uncertain Significance.